The following is an entry in ClinVar:

ClinVar aggregate classification (germline): Likely benign (1 of 4 stars; one submission).

Allele frequency attached by ClinVar (database versions not stated): gnomAD 0.00001.
gnomAD v4.1: 1 of 1,606,804 alleles (0.000062%); highest among the groups gnomAD compares: Middle Eastern, 0.018%; no homozygotes.

Submission:

CeGaT Center for Human Genetics Tuebingen
Classification: Likely benign. Last evaluated: 2023-12-01. Review status: criteria provided, single submitter. Criteria: CeGaT Center For Human Genetics Tuebingen Variant Classification Criteria Version 2. Collection method: clinical testing. Allele origin: germline. Affected: yes. Observed: 1 variant allele.
Comment: CPA1: BP4

NM_001868.4(CPA1):c.147+5G>C

Gene: CPA1 (carboxypeptidase A1; plus strand). Cytogenetic location: 7q32.2.
Variant type: single nucleotide variant.
Coding change: c.147+5G>C on transcript NM_001868.4 (MANE Select); 5 bases into the intron after coding-DNA position 147, G replaced by C.
Molecular consequence: intron variant.
Genome position (GRCh38, 1-based): chr7:130,381,184, G>C. VCF-style: chr7-130381184-G-C. GRCh37 (hg19) VCF-style: chr7-130021025-G-C.
Identifiers: ClinVar variation 3026060 (VCV003026060.22), dbSNP rs2117499250, ClinGen allele CA2604481764.